The following is an entry in ClinVar:

NM_003647.3(DGKE):c.1442G>C (p.Gly481Ala)

Gene: DGKE (diacylglycerol kinase epsilon; plus strand). Cytogenetic location: 17q22.
Variant type: single nucleotide variant.
Coding change: c.1442G>C on transcript NM_003647.3 (MANE Select); coding-DNA position 1442, G replaced by C.
Protein change: p.Gly481Ala; replaces glycine 481 with alanine.
Molecular consequence: missense variant.
Genome position (GRCh38, 1-based): chr17:56,862,169, G>C. VCF-style: chr17-56862169-G-C. GRCh37 (hg19) VCF-style: chr17-54939530-G-C.
Other names: short protein forms G481A.
Identifiers: ClinVar variation 4280378 (VCV004280378.1).

ClinVar aggregate classification (germline): Uncertain significance (1 of 4 stars; one submission).

Conditions:
Immunoglobulin-mediated membranoproliferative glomerulonephritis. Also called: NEPHROTIC SYNDROME, TYPE 7, WITH MEMBRANOPROLIFERATIVE GLOMERULONEPHRITIS; Nephrotic syndrome, type 7. Identifiers: Orphanet 329903, MedGen C3554330, MONDO:0014005, OMIM 615008.
Mesangiocapillary glomerulonephritis. Also called: Membranoproliferative glomerulonephritis. Identifiers: MedGen C0017662, MONDO:0002461, HP:0000793.

gnomAD v4.1: 14 of 1,614,008 alleles (0.00087%); highest among the groups gnomAD compares: South Asian, 0.014%; no homozygotes.

Submission:

Genomenon, Inc
Classification: Uncertain significance for Primary membranoproliferative glomerulonephritis. Last evaluated: 2025-09-26. Review status: criteria provided, single submitter. Criteria: Genomenon Sequence Variant Interpretation Standards - Updated. Collection method: curation. Allele origin: germline. Affected: no.
Comment: DGKE p.Gly481Ala (c.1442G>C) is a missense variant that changes the amino acid at residue 481 from Glycine to Alanine. This variant has been reported in the published literature (PMID:37464296). It is absent or not present at a significant frequency in gnomAD. In silico models agree that this variant is not damaging. In conclusion, we classify DGKE p.Gly481Ala (c.1442G>C) as a variant of uncertain significance.

Literature cited by the submitters: PubMed 37464296.